The following is an entry in ClinVar:

NM_016284.5(CNOT1):c.6819G>T (p.Gln2273His)

Genes: CNOT1 (CCR4-NOT transcription complex subunit 1; minus strand), SETD6 (SET domain containing 6, protein lysine methyltransferase; plus strand). Cytogenetic location: 16q21.
Variant type: single nucleotide variant.
Coding change: c.6819G>T on transcript NM_016284.5 (MANE Select); coding-DNA position 6819, G replaced by T.
Protein change: p.Gln2273His; replaces glutamine 2273 with histidine.
Molecular consequence: missense variant. On other transcripts: non-coding transcript variant (1), 3 prime UTR variant (1).
Genome position (GRCh38, 1-based): chr16:58,523,468, C>A on the plus strand (G>T on the coding strand, the complement: CNOT1 is on the minus strand). VCF-style: chr16-58523468-C-A. GRCh37 (hg19) VCF-style: chr16-58557372-C-A.
Other names: c.6804G>T, p.Gln2268His (NM_001265612.2); c.*4439C>A (NM_001160305.4); short protein forms Q2273H, Q2268H.
Identifiers: ClinVar variation 4840910 (VCV004840910.2).
Genomic context (GRCh38, chr16:58,523,468, plus strand): 5'-TGCAAAAAGGTACAGCATGGTGCAACTGAAGTAGTGAGTGTGGCTATTTGGGTACCGGAG[C>A]TGATTTGCAATTGCATTCAAAAAGAGATAGCGACCTAGAAATTAAGAAACCTTGACTTAG-3'
Protein context (NP_057368.3, residues 2263-2283): RYLFLNAIAN[Gln2273His]LRYPNSHTHY

ClinVar aggregate classification (germline): Uncertain significance (1 of 4 stars; one submission).

Conditions:
Inborn genetic diseases. Identifiers: MedGen C0950123, MeSH D030342.

Submission:

Ambry Genetics
Classification: Uncertain significance for Inborn genetic diseases. Last evaluated: 2026-03-16. Review status: criteria provided, single submitter. Criteria: Ambry Variant Classification Scheme 2023. Collection method: clinical testing. Allele origin: germline.
Comment: The c.6819G>T (p.Q2273H) alteration is located in exon 47 (coding exon 46) of the CNOT1 gene. This alteration results from a G to T substitution at nucleotide position 6819, causing the glutamine (Q) at amino acid position 2273 to be replaced by a histidine (H). This variant was not reported in population-based cohorts in the Genome Aggregation Database (gnomAD). This amino acid position is highly conserved in available vertebrate species. This missense variant is located in a region that has a low rate of benign missense variation (Lek, 2016; Firth, 2009). This alteration is predicted to be deleterious by in silico analysis. Based on insufficient or conflicting evidence, the clinical significance of this alteration remains unclear.